The following is an entry in ClinVar:

ClinVar aggregate classification (germline): Uncertain significance (1 of 4 stars; one submission).

gnomAD v4.1: 4 of 1,524,496 alleles (0.00026%); highest among the groups gnomAD compares: Admixed American, 0.0063%; no homozygotes.

Submission:

Ambry Genetics
Classification: Uncertain significance. Last evaluated: 2024-12-04. Review status: criteria provided, single submitter. Criteria: Ambry Variant Classification Scheme 2023. Collection method: clinical testing. Allele origin: germline.
Comment: The p.A1787V variant (also known as c.5360C>T), located in coding exon 22 of the WNK2 gene, results from a C to T substitution at nucleotide position 5360. The alanine at codon 1787 is replaced by valine, an amino acid with similar properties. This amino acid position is conserved. In addition, this alteration is predicted to be tolerated by in silico analysis. Based on the available evidence, the clinical significance of this variant remains unclear.

NM_006648.4(WNK2):c.5360C>T (p.Ala1787Val)

Gene: WNK2 (WNK lysine deficient protein kinase 2; plus strand). Cytogenetic location: 9q22.31.
Variant type: single nucleotide variant.
Coding change: c.5360C>T on transcript NM_006648.4 (MANE Select); coding-DNA position 5360, C replaced by T.
Protein change: p.Ala1787Val; replaces alanine 1787 with valine.
Molecular consequence: missense variant.
Genome position (GRCh38, 1-based): chr9:93,292,825, C>T. VCF-style: chr9-93292825-C-T. GRCh37 (hg19) VCF-style: chr9-96055107-C-T.
Other names: c.5471C>T, p.Ala1824Val (NM_001282394.3); short protein forms A1824V, A1787V.
Identifiers: ClinVar variation 3470584 (VCV003470584.1).